The following is an entry in ClinVar:

ClinVar aggregate classification (germline): Uncertain significance (1 of 4 stars; one submission).

Submission:

Women's Health and Genetics/Laboratory Corporation of America, LabCorp
Classification: Uncertain significance. Last evaluated: 2026-01-20. Review status: criteria provided, single submitter. Criteria: LabCorp Variant Classification Summary - May 2015. Collection method: clinical testing. Allele origin: germline.
Comment: Variant summary: AIRE c.203C>T (p.Thr68Ile) results in a non-conservative amino acid change in the encoded protein sequence. Algorithms developed to predict the effect of missense changes on protein structure and function are either unavailable or do not agree on the potential impact of this missense change. The variant was absent in 250688 control chromosomes (gnomAD). The available data on variant occurrences in the general population are insufficient to allow any conclusion about variant significance. To our knowledge, no occurrence of c.203C>T in individuals affected with AIRE-related conditions and no experimental evidence demonstrating its impact on protein function have been reported. No submitters have cited clinical-significance assessments for this variant to ClinVar. Based on the evidence outlined above, the variant was classified as uncertain significance.

NM_000383.4(AIRE):c.203C>T (p.Thr68Ile)

Gene: AIRE (autoimmune regulator; plus strand). Cytogenetic location: 21q22.3.
Variant type: single nucleotide variant.
Coding change: c.203C>T on transcript NM_000383.4 (MANE Select); coding-DNA position 203, C replaced by T.
Protein change: p.Thr68Ile; replaces threonine 68 with isoleucine.
Molecular consequence: missense variant.
Genome position (GRCh38, 1-based): chr21:44,286,627, C>T. VCF-style: chr21-44286627-C-T. GRCh37 (hg19) VCF-style: chr21-45706510-C-T.
Other names: short protein forms T68I.
Identifiers: ClinVar variation 4689206 (VCV004689206.1).